The following is an entry in ClinVar:

ClinVar aggregate classification (germline): Uncertain significance (1 of 4 stars; one submission).

Conditions:
Severe early-onset pulmonary alveolar proteinosis due to MARS deficiency. Also called: PULMONARY ALVEOLAR PROTEINOSIS, REUNION ISLAND; Interstitial lung and liver disease. Identifiers: Orphanet 440427, MedGen C4225400, MONDO:0014206, OMIM 615486.
Charcot-Marie-Tooth disease axonal type 2U. Also called: CHARCOT-MARIE-TOOTH NEUROPATHY, TYPE 2U; CHARCOT-MARIE-TOOTH DISEASE, AXONAL, AUTOSOMAL DOMINANT, TYPE 2U. Identifiers: Orphanet 397735, MedGen C4084821, MONDO:0014566, OMIM 616280.

Allele frequency attached by ClinVar (database versions not stated): gnomAD 0.00001.
gnomAD v4.1: 8 of 1,613,990 alleles (0.0005%); highest among the groups gnomAD compares: Admixed American, 0.0017%; no homozygotes.

Submission:

Labcorp Genetics (formerly Invitae), Labcorp
Classification: Uncertain significance for Charcot-Marie-Tooth disease axonal type 2U; Severe early-onset pulmonary alveolar proteinosis due to MARS deficiency. Last evaluated: 2022-01-14. Review status: criteria provided, single submitter. Criteria: Invitae Variant Classification Sherloc (09022015). Collection method: clinical testing. Allele origin: germline.
Comment: This sequence change affects codon 762 of the MARS mRNA. It is a 'silent' change, meaning that it does not change the encoded amino acid sequence of the MARS protein. This variant is not present in population databases (gnomAD no frequency). This variant has not been reported in the literature in individuals affected with MARS-related conditions. Algorithms developed to predict the effect of sequence changes on RNA splicing suggest that this variant may create or strengthen a splice site. In summary, the available evidence is currently insufficient to determine the role of this variant in disease. Therefore, it has been classified as a Variant of Uncertain Significance.

NM_004990.4(MARS1):c.2286G>A (p.Thr762=)

Gene: MARS1 (methionyl-tRNA synthetase 1; plus strand). Cytogenetic location: 12q13.3.
Variant type: single nucleotide variant.
Coding change: c.2286G>A on transcript NM_004990.4 (MANE Select); coding-DNA position 2286, G replaced by A.
Protein change: p.Thr762=; no amino-acid change (threonine 762 retained).
Molecular consequence: synonymous variant.
Genome position (GRCh38, 1-based): chr12:57,515,231, G>A. VCF-style: chr12-57515231-G-A. GRCh37 (hg19) VCF-style: chr12-57909014-G-A.
Identifiers: ClinVar variation 1897575 (VCV001897575.5), dbSNP rs765384958, ClinGen allele CA480396094.